The following is an entry in ClinVar:

ClinVar aggregate classification (germline): Likely pathogenic (1 of 4 stars; one submission).

Conditions:
GM1 gangliosidosis. Identifiers: Orphanet 354, MedGen C0085131, MONDO:0018149.
Mucopolysaccharidosis, MPS-IV-B (MPS4B). Also called: MORQUIO SYNDROME B; Mucopolysaccharidosis Type IVB (Morquio B Disease); Mucopolysaccharidosis type IV B; Mucopolysaccharidosis Type IVB; Mucopolysaccharidosis type 4B; Mucopolysaccharidosis type IVB (Morquio). Identifiers: Orphanet 309310, Orphanet 582, MedGen C0086652, MONDO:0009660, OMIM 253010.

Submission:

Labcorp Genetics (formerly Invitae), Labcorp
Classification: Likely pathogenic for Mucopolysaccharidosis, MPS-IV-B; GM1 gangliosidosis. Last evaluated: 2023-07-31. Review status: criteria provided, single submitter. Criteria: Invitae Variant Classification Sherloc (09022015). Collection method: clinical testing. Allele origin: germline.
Comment: In summary, the currently available evidence indicates that the variant is pathogenic, but additional data are needed to prove that conclusively. Therefore, this variant has been classified as Likely Pathogenic. This variant disrupts the p.Thr500 amino acid residue in GLB1. Other variant(s) that disrupt this residue have been determined to be pathogenic (PMID: 12393180, 17664528, 19472408, 26108645). This suggests that this residue is clinically significant, and that variants that disrupt this residue are likely to be disease-causing. Advanced modeling of protein sequence and biophysical properties (such as structural, functional, and spatial information, amino acid conservation, physicochemical variation, residue mobility, and thermodynamic stability) performed at Invitae indicates that this missense variant is expected to disrupt GLB1 protein function. ClinVar contains an entry for this variant (Variation ID: 2052783). This variant has not been reported in the literature in individuals affected with GLB1-related conditions. This variant is not present in population databases (gnomAD no frequency). This sequence change replaces threonine, which is neutral and polar, with serine, which is neutral and polar, at codon 500 of the GLB1 protein (p.Thr500Ser).

Literature cited by the submitters: PubMed 12393180; PubMed 17664528; PubMed 19472408; PubMed 26108645.

NM_000404.4(GLB1):c.1498A>T (p.Thr500Ser)

Gene: GLB1 (galactosidase beta 1; minus strand). Cytogenetic location: 3p22.3.
Variant type: single nucleotide variant.
Coding change: c.1498A>T on transcript NM_000404.4 (MANE Select); coding-DNA position 1498, A replaced by T.
Protein change: p.Thr500Ser; replaces threonine 500 with serine.
Molecular consequence: missense variant.
Genome position (GRCh38, 1-based): chr3:33,014,292, T>A on the plus strand (A>T on the coding strand, the complement: GLB1 is on the minus strand). VCF-style: chr3-33014292-T-A. GRCh37 (hg19) VCF-style: chr3-33055784-T-A.
Other names: c.1408A>T, p.Thr470Ser (NM_001079811.3); c.1105A>T, p.Thr369Ser (NM_001135602.3); c.1642A>T, p.Thr548Ser (NM_001317040.2); c.1498A>T, p.Thr500Ser (NM_001393580.1); short protein forms T500S, T369S, T548S, T470S.
Identifiers: ClinVar variation 2052783 (VCV002052783.4), dbSNP rs72555368, ClinGen allele CA351986836.